The following is an entry in ClinVar:

NM_003738.5(PTCH2):c.116A>T (p.Tyr39Phe)

Gene: PTCH2 (patched 2; minus strand). Cytogenetic location: 1p34.1.
Variant type: single nucleotide variant.
Coding change: c.116A>T on transcript NM_003738.5 (MANE Select); coding-DNA position 116, A replaced by T.
Protein change: p.Tyr39Phe; replaces tyrosine 39 with phenylalanine.
Molecular consequence: missense variant.
Genome position (GRCh38, 1-based): chr1:44,841,996, T>A on the plus strand (A>T on the coding strand, the complement: PTCH2 is on the minus strand). VCF-style: chr1-44841996-T-A. GRCh37 (hg19) VCF-style: chr1-45307668-T-A.
Other names: c.116A>T, p.Tyr39Phe (NM_001166292.2); short protein forms Y39F.
Identifiers: ClinVar variation 653640 (VCV000653640.9), dbSNP rs746706971, ClinGen allele CA823739.

ClinVar aggregate classification (germline): Uncertain significance (1 of 4 stars; one submission).

Conditions:
Gorlin syndrome. Also called: Nevoid Basal Cell Carcinoma Syndrome; Basal cell nevus syndrome. Identifiers: Orphanet 377, MedGen C0004779, MONDO:0007187.

Allele frequency attached by ClinVar (database versions not stated): TOPMed below 0.00001; ExAC 0.00001.
gnomAD v4.1: 2 of 1,614,176 alleles (0.00012%); highest among the groups gnomAD compares: East Asian, 0.0045%; no homozygotes.

Submission:

Labcorp Genetics (formerly Invitae), Labcorp
Classification: Uncertain significance for Gorlin syndrome. Last evaluated: 2023-11-11. Review status: criteria provided, single submitter. Criteria: Invitae Variant Classification Sherloc (09022015). Collection method: clinical testing. Allele origin: germline.
Comment: This sequence change replaces tyrosine, which is neutral and polar, with phenylalanine, which is neutral and non-polar, at codon 39 of the PTCH2 protein (p.Tyr39Phe). This variant is not present in population databases (gnomAD no frequency). This variant has not been reported in the literature in individuals affected with PTCH2-related conditions. ClinVar contains an entry for this variant (Variation ID: 653640). Advanced modeling of protein sequence and biophysical properties (such as structural, functional, and spatial information, amino acid conservation, physicochemical variation, residue mobility, and thermodynamic stability) performed at Invitae indicates that this missense variant is not expected to disrupt PTCH2 protein function with a negative predictive value of 80%. Algorithms developed to predict the effect of sequence changes on RNA splicing suggest that this variant may disrupt the consensus splice site. In summary, the available evidence is currently insufficient to determine the role of this variant in disease. Therefore, it has been classified as a Variant of Uncertain Significance.